The following is an entry in ClinVar:

ClinVar aggregate classification (germline): Benign. Review status: reviewed by expert panel (3 of 4 stars). 14 submissions from 14 submitters: Benign (1). 13 of the submissions do not count toward it. Last evaluated 2021-06-16.

Conditions:
Nonsyndromic genetic hearing loss. Also called: Nonsyndromic genetic deafness; Nonsyndromic hearing loss and deafness; Non-syndromic genetic deafness. Identifiers: Orphanet 87884, MedGen C5680182, MONDO:0019497.
Autosomal recessive nonsyndromic hearing loss 3. Also called: NEUROSENSORY NONSYNDROMIC RECESSIVE DEAFNESS 3. Identifiers: Orphanet 90636, MedGen C1838263, MONDO:0010860, OMIM 600316.

Allele frequency attached by ClinVar (database versions not stated): 1000 Genomes Project 0.71805; 1000 Genomes Project 30x 0.72580; gnomAD exomes 0.73198 and 0.74313; ExAC 0.73948; gnomAD 0.78217 and 0.79149; TOPMed 0.78847; ESP Exome Variant Server 0.80341.
gnomAD v4.1: 1,166,423 of 1,561,122 alleles (75%); highest among the groups gnomAD compares: African/African-American, 88%; 438,543 homozygotes.

Submissions (14):

ClinGen Hearing Loss Variant Curation Expert Panel
Classification: Benign for Nonsyndromic genetic hearing loss. Last evaluated: 2021-06-16. Review status: reviewed by expert panel. Criteria: clingen hl acmg specifications otof myo15a v1. Collection method: curation. Allele origin: germline. Inheritance: Autosomal recessive inheritance.
Comment: The filtering allele frequency (the lower threshold of the 95% CI of 15730/17934) of the p.Cys1977Arg variant in the MYO15A gene is 86.6% for African chromosomes (including 6913 homozygous observations) by gnomAD v2.1, which is a high enough frequency to be classified as benign based on thresholds defined by the ClinGen Hearing Loss Expert Panel for autosomal recessive hearing loss variants (BA1). ACMG/AMP criteria applied, as specified by the Hearing Loss Expert Panel : BA1.

Labcorp Genetics (formerly Invitae), Labcorp
Classification: Benign. Last evaluated: 2026-02-04. Review status: criteria provided, single submitter. Criteria: Invitae Variant Classification Sherloc (09022015). Collection method: clinical testing. Allele origin: germline. Not counted in ClinVar's aggregate classification.

Women's Health and Genetics/Laboratory Corporation of America, LabCorp
Classification: Benign. Last evaluated: 2026-01-08. Review status: criteria provided, single submitter. Criteria: LabCorp Variant Classification Summary - May 2015. Collection method: clinical testing. Allele origin: germline. Not counted in ClinVar's aggregate classification.

Genome-Nilou Lab
Classification: Benign for Autosomal recessive nonsyndromic hearing loss 3. Last evaluated: 2021-09-05. Review status: criteria provided, single submitter. Criteria: ACMG Guidelines, 2015. Collection method: clinical testing. Allele origin: germline. Affected: no. Not counted in ClinVar's aggregate classification.

Mayo Clinic Laboratories, Mayo Clinic
Classification: Benign. Last evaluated: 2020-10-02. Review status: criteria provided, single submitter. Criteria: ACMG Guidelines, 2015. Collection method: clinical testing. Allele origin: germline. Observed: 149 variant alleles. Not counted in ClinVar's aggregate classification.

Illumina Laboratory Services, Illumina
Classification: Benign for Autosomal recessive nonsyndromic hearing loss 3. Last evaluated: 2018-01-13. Review status: criteria provided, single submitter. Criteria: ICSL Variant Classification Criteria 13 December 2019. Collection method: clinical testing. Allele origin: germline. Not counted in ClinVar's aggregate classification.
Comment: This variant was observed in the ICSL laboratory as part of a predisposition screen in an ostensibly healthy population. It had not been previously curated by ICSL or reported in the Human Gene Mutation Database (HGMD: prior to June 1st, 2018), and was therefore a candidate for classification through an automated scoring system. Utilizing variant allele frequency, disease prevalence and penetrance estimates, and inheritance mode, an automated score was calculated to assess if this variant is too frequent to cause the disease. Based on the score and internal cut-off values, a variant classified as benign is not then subjected to further curation. The score for this variant resulted in a classification of benign for this disease.

Eurofins Ntd Llc (ga)
Classification: Benign. Last evaluated: 2016-02-26. Review status: criteria provided, single submitter. Criteria: EGL Classification Definitions 2015. Collection method: clinical testing. Allele origin: germline. Observed: 10 variant alleles, 5 heterozygotes, 5 homozygotes. Not counted in ClinVar's aggregate classification.

GeneDx
Classification: Benign. Last evaluated: 2015-03-03. Review status: criteria provided, single submitter. Criteria: GeneDx Variant Classification Process June 2021. Collection method: clinical testing. Allele origin: germline. Affected: yes. Not counted in ClinVar's aggregate classification.

Laboratory for Molecular Medicine, Mass General Brigham Personalized Medicine
Classification: Benign. Last evaluated: 2012-05-07. Review status: criteria provided, single submitter. Criteria: LMM Criteria. Collection method: clinical testing. Allele origin: germline. Observed: 1,540 variant alleles. Not counted in ClinVar's aggregate classification.
Comment: Cys1977Arg in Exon 26 of MYO15A: This variant is not expected to have clinical s ignificance because it has been identified in 23.0% (1535/6674) of European Amer ican chromosomes from a broad population by the NHLBI Exome Sequencing Project (dbSNP rs854777).

Breakthrough Genomics
Classification: Benign. Review status: criteria provided, single submitter. Criteria: ACMG Guidelines, 2015. Collection method: not provided. Allele origin: germline. Inheritance: Autosomal recessive inheritance. Affected: yes. Not counted in ClinVar's aggregate classification.

PreventionGenetics, part of Exact Sciences
Classification: Benign. Review status: criteria provided, single submitter. Criteria: ACMG Guidelines, 2015. Collection method: clinical testing. Allele origin: germline. Not counted in ClinVar's aggregate classification.

Clinical Genetics DNA and cytogenetics Diagnostics Lab, Erasmus MC, Erasmus Medical Center
Classification: Benign. Review status: no assertion criteria provided. Collection method: clinical testing. Allele origin: germline. Affected: yes. Study: VKGL Data-share Consensus. Not counted in ClinVar's aggregate classification.

Diagnostic Laboratory, Department of Genetics, University Medical Center Groningen
Classification: Benign for Autosomal recessive nonsyndromic hearing loss 3. Review status: no assertion criteria provided. Collection method: clinical testing. Allele origin: germline. Affected: yes. Study: VKGL Data-share Consensus. Not counted in ClinVar's aggregate classification.

Joint Genome Diagnostic Labs from Nijmegen and Maastricht, Radboudumc and MUMC+
Classification: Benign. Review status: no assertion criteria provided. Collection method: clinical testing. Allele origin: germline. Affected: yes. Study: VKGL Data-share Consensus. Not counted in ClinVar's aggregate classification.

NM_016239.4(MYO15A):c.5929T>C (p.Cys1977Arg)

Gene: MYO15A (myosin XVA; plus strand). Cytogenetic location: 17p11.2.
Variant type: single nucleotide variant.
Coding change: c.5929T>C on transcript NM_016239.4 (MANE Select); coding-DNA position 5929, T replaced by C.
Protein change: p.Cys1977Arg; replaces cysteine 1977 with arginine.
Molecular consequence: missense variant.
Genome position (GRCh38, 1-based): chr17:18,143,584, T>C. VCF-style: chr17-18143584-T-C. GRCh37 (hg19) VCF-style: chr17-18046898-T-C.
Other names: NM_016239.4(MYO15A):c.5929T>C; short protein forms C1977R.
Identifiers: ClinVar variation 45753 (VCV000045753.33), dbSNP rs854777, ClinGen allele CA136998.